The following is an entry in ClinVar:

NM_000038.6(APC):c.805del (p.Ile269fs)

Gene: APC (APC regulator of Wnt signaling pathway; plus strand). Cytogenetic location: 5q22.2.
Variant type: Deletion.
Coding change: c.805del on transcript NM_000038.6 (MANE Select); coding-DNA position 805, one base deleted (A; older notation c.805delA).
Protein change: p.Ile269fs; shifts the reading frame from isoleucine 269.
Molecular consequence: frameshift variant. On other transcripts: 5 prime UTR variant (4), non-coding transcript variant (2).
Genome position (GRCh38, 1-based): chr5:112,801,354, A deleted; the last of 3 consecutive A bases (chr5:112,801,352-112,801,354); deleting any one gives the same sequence. VCF-style (leftmost placement, unchanged base first): chr5-112801351-GA-G. GRCh37 (hg19) VCF-style: chr5-112137048-GA-G.
Other names: c.805del, p.Ile269fs (NM_001127510.3, NM_001354895.2, NM_001354896.2 and 12 more transcripts); c.751del, p.Ile251fs (NM_001127511.3); c.835del, p.Ile279fs (NM_001354897.2, NM_001354902.2, NM_001407446.1); c.730del, p.Ile244fs (NM_001354898.2, NM_001354904.2, NM_001407451.1); c.721del, p.Ile241fs (NM_001354899.2, NM_001407452.1, NM_001407467.1 and 1 more transcripts); c.628del, p.Ile210fs (NM_001354900.2, NM_001354901.2, NM_001354905.2 and 1 more transcripts); c.-231del (NM_001354906.2, NM_001407470.1, NM_001407471.1 and 1 more transcripts); short protein forms I210fs, I241fs, I244fs, I251fs, I269fs, I279fs.
Identifiers: ClinVar variation 2583266 (VCV002583266.1), dbSNP rs2532755062, ClinGen allele CA2582341407.
Genomic context (GRCh38, chr5:112,801,351, plus strand): 5'-AACAAGCATGAAACCGGCTCACATGATGCTGAGCGGCAGAATGAAGGTCAAGGAGTGGGA[GA>G]AATCAACATGGCAACTTCTGGTAATGGTCAGGTAAATAAATTATTTTATCATATTTTTTA-3'

ClinVar aggregate classification (germline): Pathogenic (1 of 4 stars; one submission).

Conditions:
Familial adenomatous polyposis 1 (FAP1). Also called: POLYPOSIS, ADENOMATOUS INTESTINAL; FAMILIAL ADENOMATOUS POLYPOSIS 1, ATTENUATED. Identifiers: MedGen C2713442, MONDO:0021056, OMIM 175100. Disease mechanism: loss of function.

Submission:

Myriad Genetics, Inc.
Classification: Pathogenic for Familial adenomatous polyposis 1. Last evaluated: 2023-04-27. Review status: criteria provided, single submitter. Criteria: Myriad Autosomal Dominant, Autosomal Recessive and X-Linked Classification Criteria (2023). Collection method: clinical testing. Allele origin: unknown.
Comment: This variant is considered pathogenic. This variant creates a frameshift predicted to result in premature protein truncation.